The following is an entry in ClinVar:

ClinVar aggregate classification (germline): Benign/Likely benign. Review status: criteria provided, multiple submitters, no conflicts (2 of 4 stars). 21 submissions from 18 submitters: Benign (8); Likely benign (9). 4 of the submissions do not count toward it. Last evaluated 2026-09-01.

Conditions:
TTN-related disorder. Also called: TTN-related disorders; TTN-related condition; TTN-related disease.
Cardiovascular phenotype. Identifiers: MedGen CN230736.
Autosomal recessive limb-girdle muscular dystrophy type 2J (LGMDR10). Also called: Limb-girdle muscular dystrophy, type 2J; MUSCULAR DYSTROPHY, LIMB-GIRDLE, AUTOSOMAL RECESSIVE 10. Identifiers: Orphanet 140922, MedGen C1837342, MONDO:0012127, OMIM 608807.
Dilated cardiomyopathy 1G (CMD1G). Identifiers: Orphanet 154, MedGen C1858763, MONDO:0011400, OMIM 604145.
Cardiomyopathy (CMYO). Also called: Cardiomyopathies. Identifiers: Orphanet 167848, MedGen C0878544, MONDO:0004994, HP:0001638. Inheritance: Various modes of inheritance.
Early-onset myopathy with fatal cardiomyopathy (CMYO5). Also called: Salih Myopathy; CONGENITAL MYOPATHY 5 WITH CARDIOMYOPATHY. Identifiers: Orphanet 289377, MedGen C2673677, MONDO:0012714, OMIM 611705. Disease mechanism: loss of function.
Tibial muscular dystrophy (TMD). Also called: Udd Distal Myopathy – Tibial Muscular Dystrophy; UDD MYOPATHY; Tibial muscular dystrophy, tardive. Identifiers: Orphanet 609, MedGen C1838244, MONDO:0010870, OMIM 600334.
Myopathy, myofibrillar, 9, with early respiratory failure (MFM9). Also called: Myopathy, distal, with early respiratory failure, autosomal dominant; EDSTROM MYOPATHY; MYOPATHY, PROXIMAL, WITH EARLY RESPIRATORY MUSCLE INVOLVEMENT; Hereditary myopathy with early respiratory failure. Identifiers: Orphanet 178464, Orphanet 34521, MedGen C1863599, MONDO:0011362, OMIM 603689.
Primary dilated cardiomyopathy (DCM). Also called: Dilated Cardiomyopathy. Identifiers: Orphanet 217604, MedGen C0007193, MeSH D002311, MONDO:0005021, HP:0001644. Inheritance: Various modes of inheritance.

Allele frequency attached by ClinVar (database versions not stated): gnomAD exomes 0.00014 and 0.00032; ExAC 0.00041; gnomAD 0.00099 and 0.00100; TOPMed 0.00122; ESP Exome Variant Server 0.00150; 1000 Genomes Project 0.00260; 1000 Genomes Project 30x 0.00281.
gnomAD v4.1: 362 of 1,613,404 alleles (0.022%); highest among the groups gnomAD compares: African/African-American, 0.44%; 1 homozygote.

Submissions (21):

CeGaT Center for Human Genetics Tuebingen
Classification: Likely benign. Last evaluated: 2026-09-01. Review status: criteria provided, single submitter. Criteria: CeGaT Center For Human Genetics Tuebingen Variant Classification Criteria Version 2. Collection method: clinical testing. Allele origin: germline. Affected: yes. Observed: 1 variant allele.
Comment: TTN: BP4

Labcorp Genetics (formerly Invitae), Labcorp
Classification: Benign for Dilated cardiomyopathy 1G; Autosomal recessive limb-girdle muscular dystrophy type 2J. Last evaluated: 2026-02-01. Review status: criteria provided, single submitter. Criteria: Invitae Variant Classification Sherloc (09022015). Collection method: clinical testing. Allele origin: germline.

Molecular Diagnostic Laboratory for Inherited Cardiovascular Disease, Montreal Heart Institute
Classification: Likely benign. Last evaluated: 2025-04-09. Review status: criteria provided, single submitter. Criteria: ACMG Guidelines, 2015. Collection method: clinical testing. Allele origin: germline. Affected: no.

Blueprint Genetics
Classification: Likely benign. Last evaluated: 2024-07-15. Review status: criteria provided, single submitter. Criteria: ACMG Guidelines, 2015. Collection method: clinical testing. Allele origin: germline.

Genome-Nilou Lab
Classification: Benign for Autosomal recessive limb-girdle muscular dystrophy type 2J. Last evaluated: 2021-09-10. Review status: criteria provided, single submitter. Criteria: ACMG Guidelines, 2015. Collection method: clinical testing. Allele origin: germline. Affected: no.

Genome-Nilou Lab
Classification: Benign for Myopathy, myofibrillar, 9, with early respiratory failure. Last evaluated: 2021-09-10. Review status: criteria provided, single submitter. Criteria: ACMG Guidelines, 2015. Collection method: clinical testing. Allele origin: germline. Affected: no.

Genome-Nilou Lab
Classification: Benign for Early-onset myopathy with fatal cardiomyopathy. Last evaluated: 2021-09-10. Review status: criteria provided, single submitter. Criteria: ACMG Guidelines, 2015. Collection method: clinical testing. Allele origin: germline. Affected: no.

Genome-Nilou Lab
Classification: Benign for Tibial muscular dystrophy. Last evaluated: 2021-09-10. Review status: criteria provided, single submitter. Criteria: ACMG Guidelines, 2015. Collection method: clinical testing. Allele origin: germline. Affected: no.

Athena Diagnostics
Classification: Benign. Last evaluated: 2021-05-13. Review status: criteria provided, single submitter. Criteria: Athena Diagnostics criteria. Collection method: clinical testing. Allele origin: unknown.

Women's Health and Genetics/Laboratory Corporation of America, LabCorp
Classification: Benign. Last evaluated: 2021-03-18. Review status: criteria provided, single submitter. Criteria: LabCorp Variant Classification Summary - May 2015. Collection method: clinical testing. Allele origin: germline.
Comment: Variant summary: TTN c.71908A>G (p.Thr23970Ala) results in a non-conservative amino acid change located in the A-band region of the encoded protein sequence. Three of five in-silico tools predict a damaging effect of the variant on protein function. The variant allele was found at a frequency of 0.00032 in 248318 control chromosomes, predominantly at a frequency of 0.0047 within the African or African-American subpopulation in the gnomAD database, including 1 homozygote. The observed variant frequency within African or African-American control individuals in the gnomAD database is approximately 12-fold of the estimated maximal expected allele frequency for a pathogenic variant in TTN causing Dilated Cardiomyopathy phenotype (0.00039), strongly suggesting that the variant is a benign polymorphism found primarily in populations of African or African-American origin. To our knowledge, no occurrence of c.71908A>G in individuals affected with Dilated Cardiomyopathy and no experimental evidence demonstrating its impact on protein function have been reported. Five ClinVar submitters (evaluation after 2014) cite the variant as benign/likely benign. Based on the evidence outlined above, the variant was classified as benign.

GeneDx
Classification: Likely benign. Last evaluated: 2021-03-05. Review status: criteria provided, single submitter. Criteria: GeneDx Variant Classification Process June 2021. Collection method: clinical testing. Allele origin: germline. Affected: yes.
Comment: This variant is associated with the following publications: (PMID: 23861362)

Ambry Genetics
Classification: Benign for Cardiovascular phenotype. Last evaluated: 2018-02-28. Review status: criteria provided, single submitter. Criteria: Ambry Variant Classification Scheme 2023. Collection method: clinical testing. Allele origin: germline.

CHEO Genetics Diagnostic Laboratory, Children's Hospital of Eastern Ontario
Classification: Likely benign for Cardiomyopathy. Last evaluated: 2017-08-18. Review status: criteria provided, single submitter. Criteria: ACMG Guidelines, 2015. Collection method: clinical testing. Allele origin: germline. Study: Canadian Open Genetics Repository.

Laboratory for Molecular Medicine, Mass General Brigham Personalized Medicine
Classification: Likely benign. Last evaluated: 2015-04-13. Review status: criteria provided, single submitter. Criteria: LMM Criteria. Collection method: clinical testing. Allele origin: germline. Observed: 2 variant alleles.
Comment: p.Thr23970Ala in exon 275 of TTN: This variant is not expected to have clinical significance because it has been identified in 0.5% (47/9800) of African chromos omes by the Exome Aggregation Consortium (ExAC; dbSNP rs150682764).

Eurofins Ntd Llc (ga)
Classification: Likely benign. Last evaluated: 2015-02-06. Review status: criteria provided, single submitter. Criteria: EGL Classification Definitions 2015. Collection method: clinical testing. Allele origin: germline. Observed: 1 variant allele, 1 heterozygote.

Biesecker Lab/Clinical Genomics Section, National Institutes of Health
Classification: Likely benign. Last evaluated: 2013-06-24. Review status: criteria provided, single submitter. Criteria: Ng et al. (Circ Cardiovasc Genet. 2013). Collection method: research. Allele origin: unknown. Observed: 1 variant allele. Study: ClinSeq.
Comment: The study set was not selected for affection status in relation to any cancer. Pathogenicity categories were based on literature curation. See Pubmed ID:23861362 for details.

Medical sequencing

Genetics and Genomics Program, Sidra Medicine
Classification: Likely benign for Primary dilated cardiomyopathy. Review status: criteria provided, single submitter. Criteria: ACMG Guidelines, 2015. Collection method: research. Allele origin: unknown. Affected: yes. Observed: 1 variant allele.

PreventionGenetics, part of Exact Sciences
Classification: Likely benign for TTN-related condition. Last evaluated: 2019-03-25. Review status: no assertion criteria provided. Collection method: clinical testing. Allele origin: germline. Not counted in ClinVar's aggregate classification.
Comment: This variant is classified as likely benign based on ACMG/AMP sequence variant interpretation guidelines (Richards et al. 2015 PMID: 25741868, with internal and published modifications).

Clinical Genetics DNA and cytogenetics Diagnostics Lab, Erasmus MC, Erasmus Medical Center
Classification: Likely benign. Review status: no assertion criteria provided. Collection method: clinical testing. Allele origin: germline. Affected: yes. Study: VKGL Data-share Consensus. Not counted in ClinVar's aggregate classification.

Clinical Genetics, Academic Medical Center
Classification: Benign. Review status: no assertion criteria provided. Collection method: clinical testing. Allele origin: germline. Affected: yes. Study: VKGL Data-share Consensus. Not counted in ClinVar's aggregate classification.

Genome Diagnostics Laboratory, University Medical Center Utrecht
Classification: Benign. Review status: no assertion criteria provided. Collection method: clinical testing. Allele origin: germline. Affected: yes. Study: VKGL Data-share Consensus. Not counted in ClinVar's aggregate classification.

NM_001267550.2(TTN):c.79612A>G (p.Thr26538Ala)

Genes: TTN (titin; minus strand), TTN-AS1 (TTN antisense RNA 1; plus strand). Cytogenetic location: 2q31.2.
Variant type: single nucleotide variant.
Coding change: c.79612A>G on transcript NM_001267550.2 (MANE Select); coding-DNA position 79612, A replaced by G.
Protein change: p.Thr26538Ala; replaces threonine 26538 with alanine.
Molecular consequence: missense variant.
Genome position (GRCh38, 1-based): chr2:178,566,520, T>C on the plus strand (A>G on the coding strand, the complement: TTN is on the minus strand). VCF-style: chr2-178566520-T-C. GRCh37 (hg19) VCF-style: chr2-179431247-T-C.
Other names: p.T24897A:ACT>GCT; c.52417A>G, p.Thr17473Ala (NM_003319.4); c.52792A>G, p.Thr17598Ala (NM_133432.3); c.52993A>G, p.Thr17665Ala (NM_133437.4); c.79612A>G (NM_001267550.1); c.74689A>G, p.Thr24897Ala (NM_001256850.1); c.71908A>G, p.Thr23970Ala (NM_133378.4); short protein forms T23970A, T26538A, T24897A, T17598A, T17665A, T17473A.
Identifiers: ClinVar variation 192152 (VCV000192152.40), dbSNP rs150682764, ClinGen allele CA202125.